The following is an entry in ClinVar:

ClinVar aggregate classification (germline): Uncertain significance. Review status: criteria provided, multiple submitters, no conflicts (2 of 4 stars). 2 submissions from 2 submitters: Uncertain significance (2). Last evaluated 2022-06-20.

Allele frequency attached by ClinVar (database versions not stated): gnomAD exomes below 0.00001 and 0.00001.
gnomAD v4.1: 4 of 1,612,456 alleles (0.00025%); highest among the groups gnomAD compares: East Asian, 0.0089%; no homozygotes.

Submissions (2):

Labcorp Genetics (formerly Invitae), Labcorp
Classification: Uncertain significance. Last evaluated: 2022-06-20. Review status: criteria provided, single submitter. Criteria: Invitae Variant Classification Sherloc (09022015). Collection method: clinical testing. Allele origin: germline.
Comment: This sequence change replaces tryptophan, which is neutral and slightly polar, with serine, which is neutral and polar, at codon 82 of the CAPN5 protein (p.Trp82Ser). This variant is present in population databases (no rsID available, gnomAD 0.01%). This variant has not been reported in the literature in individuals affected with CAPN5-related conditions. ClinVar contains an entry for this variant (Variation ID: 1302396). Algorithms developed to predict the effect of missense changes on protein structure and function are either unavailable or do not agree on the potential impact of this missense change (SIFT: "Deleterious"; PolyPhen-2: "Probably Damaging"; Align-GVGD: "Class C0"). In summary, the available evidence is currently insufficient to determine the role of this variant in disease. Therefore, it has been classified as a Variant of Uncertain Significance.

GeneDx
Classification: Uncertain significance. Last evaluated: 2021-01-12. Review status: criteria provided, single submitter. Criteria: GeneDx Variant Classification Process June 2021. Collection method: clinical testing. Allele origin: germline. Affected: yes.
Comment: In silico analysis supports that this missense variant has a deleterious effect on protein structure/function; Has not been previously published as pathogenic or benign to our knowledge

NM_004055.5(CAPN5):c.245G>C (p.Trp82Ser)

Gene: CAPN5 (calpain 5; plus strand). Cytogenetic location: 11q13.5.
Variant type: single nucleotide variant.
Coding change: c.245G>C on transcript NM_004055.5 (MANE Select); coding-DNA position 245, G replaced by C.
Protein change: p.Trp82Ser; replaces tryptophan 82 with serine.
Molecular consequence: missense variant.
Genome position (GRCh38, 1-based): chr11:77,093,761, G>C. VCF-style: chr11-77093761-G-C. GRCh37 (hg19) VCF-style: chr11-76804807-G-C.
Other names: short protein forms W82S.
Identifiers: ClinVar variation 1302396 (VCV001302396.6), dbSNP rs1555037025, ClinGen allele CA381931390.